The following is an entry in ClinVar:

ClinVar aggregate classification (germline): Uncertain significance. Review status: criteria provided, multiple submitters, no conflicts (2 of 4 stars). 2 submissions from 2 submitters: Uncertain significance (2). Last evaluated 2026-04-21.

Conditions:
Hereditary cancer-predisposing syndrome. Also called: Hereditary Cancer Syndrome; Neoplastic Syndromes, Hereditary; Tumor predisposition; Hereditary neoplastic syndrome. Identifiers: Orphanet 140162, MedGen C0027672, MeSH D009386, MONDO:0015356.
Rhabdoid tumor predisposition syndrome 2 (RTPS2). Identifiers: Orphanet 231108, Orphanet 69077, MedGen C2750074, MONDO:0013224, OMIM 613325.

Submissions (2):

Ambry Genetics
Classification: Uncertain significance for Hereditary cancer-predisposing syndrome. Last evaluated: 2026-04-21. Review status: criteria provided, single submitter. Criteria: Ambry Variant Classification Scheme 2023. Collection method: clinical testing. Allele origin: germline.
Comment: The p.S1240G variant (also known as c.3718A>G), located in coding exon 25 of the SMARCA4 gene, results from an A to G substitution at nucleotide position 3718. The serine at codon 1240 is replaced by glycine, an amino acid with similar properties. This amino acid position is well conserved in available vertebrate species. In addition, the in silico prediction for this alteration is inconclusive. Based on the available evidence, the clinical significance of this variant remains unclear.

Labcorp Genetics (formerly Invitae), Labcorp
Classification: Uncertain significance for Rhabdoid tumor predisposition syndrome 2. Last evaluated: 2023-10-30. Review status: criteria provided, single submitter. Criteria: Invitae Variant Classification Sherloc (09022015). Collection method: clinical testing. Allele origin: germline.
Comment: This sequence change replaces serine, which is neutral and polar, with glycine, which is neutral and non-polar, at codon 1240 of the SMARCA4 protein (p.Ser1240Gly). This variant is not present in population databases (gnomAD no frequency). This variant has not been reported in the literature in individuals affected with SMARCA4-related conditions. ClinVar contains an entry for this variant (Variation ID: 960565). Advanced modeling of protein sequence and biophysical properties (such as structural, functional, and spatial information, amino acid conservation, physicochemical variation, residue mobility, and thermodynamic stability) performed at Invitae indicates that this missense variant is not expected to disrupt SMARCA4 protein function with a negative predictive value of 95%. In summary, the available evidence is currently insufficient to determine the role of this variant in disease. Therefore, it has been classified as a Variant of Uncertain Significance.

NM_003072.5(SMARCA4):c.3718A>G (p.Ser1240Gly)

Gene: SMARCA4 (SWI/SNF related BAF chromatin remodeling complex subunit ATPase 4; plus strand). Cytogenetic location: 19p13.2.
Variant type: single nucleotide variant.
Coding change: c.3718A>G on transcript NM_003072.5 (MANE Select); coding-DNA position 3718, A replaced by G.
Protein change: p.Ser1240Gly; replaces serine 1240 with glycine.
Molecular consequence: missense variant. On other transcripts: non-coding transcript variant (1).
Genome position (GRCh38, 1-based): chr19:11,033,461, A>G. VCF-style: chr19-11033461-A-G. GRCh37 (hg19) VCF-style: chr19-11144137-A-G.
Other names: c.3718A>G, p.Ser1240Gly (NM_001128844.3, NM_001128845.2, NM_001128846.2 and 4 more transcripts); short protein forms S1240G.
Identifiers: ClinVar variation 960565 (VCV000960565.10), dbSNP rs2075065054, ClinGen allele CA404065957.